The following is an entry in ClinVar:

ClinVar aggregate classification (germline): Uncertain significance (1 of 4 stars; one submission).

Conditions:
Ataxia-telangiectasia syndrome (AT). Also called: LOUIS-BAR SYNDROME; Cerebello-oculocutaneous telangiectasia; Immunodeficiency with ataxia telangiectasia; ATAXIA-TELANGIECTASIA, COMPLEMENTATION GROUP A; ATAXIA-TELANGIECTASIA, FRESNO VARIANT; Ataxia-telangiectasia, complementation group D. Identifiers: Orphanet 100, MedGen C0004135, MONDO:0008840, OMIM 208900.

Submission:

Labcorp Genetics (formerly Invitae), Labcorp
Classification: Uncertain significance for Ataxia-telangiectasia syndrome. Last evaluated: 2024-07-21. Review status: criteria provided, single submitter. Criteria: Invitae Variant Classification Sherloc (09022015). Collection method: clinical testing. Allele origin: germline.
Comment: This sequence change replaces isoleucine, which is neutral and non-polar, with arginine, which is basic and polar, at codon 735 of the ATM protein (p.Ile735Arg). This variant is not present in population databases (gnomAD no frequency). This variant has not been reported in the literature in individuals affected with ATM-related conditions. An algorithm developed to predict the effect of missense changes on protein structure and function (PolyPhen-2) suggests that this variant is likely to be tolerated. In summary, the available evidence is currently insufficient to determine the role of this variant in disease. Therefore, it has been classified as a Variant of Uncertain Significance.

NM_000051.4(ATM):c.2204T>G (p.Ile735Arg)

Gene: ATM (ATM serine/threonine kinase; plus strand). Cytogenetic location: 11q22.3.
Variant type: single nucleotide variant.
Coding change: c.2204T>G on transcript NM_000051.4 (MANE Select); coding-DNA position 2204, T replaced by G.
Protein change: p.Ile735Arg; replaces isoleucine 735 with arginine.
Molecular consequence: missense variant.
Genome position (GRCh38, 1-based): chr11:108,256,294, T>G. VCF-style: chr11-108256294-T-G. GRCh37 (hg19) VCF-style: chr11-108127021-T-G.
Other names: c.2204T>G, p.Ile735Arg (NM_001351834.2); short protein forms I735R.
Identifiers: ClinVar variation 3660055 (VCV003660055.2).